The following is an entry in ClinVar:

NM_177438.3(DICER1):c.5336A>G (p.Lys1779Arg)

Gene: DICER1 (dicer 1, ribonuclease III; minus strand). Cytogenetic location: 14q32.13.
Variant type: single nucleotide variant.
Coding change: c.5336A>G on transcript NM_177438.3 (MANE Select); coding-DNA position 5336, A replaced by G.
Protein change: p.Lys1779Arg; replaces lysine 1779 with arginine.
Molecular consequence: missense variant. On other transcripts: non-coding transcript variant (6).
Genome position (GRCh38, 1-based): chr14:95,093,916, T>C on the plus strand (A>G on the coding strand, the complement: DICER1 is on the minus strand). VCF-style: chr14-95093916-T-C. GRCh37 (hg19) VCF-style: chr14-95560253-T-C.
Other names: c.5336A>G, p.Lys1779Arg (NM_001195573.1, NM_001271282.3, NM_001291628.2 and 8 more transcripts); c.5054A>G, p.Lys1685Arg (NM_001395686.1); c.4931A>G, p.Lys1644Arg (NM_001395687.1, NM_001395688.1, NM_001395689.1 and 1 more transcripts); c.4769A>G, p.Lys1590Arg (NM_001395691.1); c.3653A>G, p.Lys1218Arg (NM_001395697.1); short protein forms K1590R, K1644R, K1218R, K1685R, K1779R.
Identifiers: ClinVar variation 3272037 (VCV003272037.3).

ClinVar aggregate classification (germline): Uncertain significance. Review status: criteria provided, multiple submitters, no conflicts (2 of 4 stars). 2 submissions from 2 submitters: Uncertain significance (2). Last evaluated 2024-08-19.

Conditions:
DICER1-related tumor predisposition. Also called: DICER1-related pleuropulmonary blastoma cancer predisposition syndrome; DICER1 syndrome. Identifiers: Orphanet 284343, MedGen C3839822, MONDO:0100216.
Hereditary cancer-predisposing syndrome. Also called: Neoplastic Syndromes, Hereditary; Hereditary neoplastic syndrome; Tumor predisposition; Hereditary Cancer Syndrome. Identifiers: Orphanet 140162, MedGen C0027672, MeSH D009386, MONDO:0015356.

gnomAD v4.1: 1 of 1,614,214 alleles (0.000062%); highest among the groups gnomAD compares: Non-Finnish European, 0.000085%; no homozygotes.

Submissions (2):

Labcorp Genetics (formerly Invitae), Labcorp
Classification: Uncertain significance for DICER1-related tumor predisposition. Last evaluated: 2024-08-19. Review status: criteria provided, single submitter. Criteria: Invitae Variant Classification Sherloc (09022015). Collection method: clinical testing. Allele origin: germline.
Comment: This sequence change replaces lysine, which is basic and polar, with arginine, which is basic and polar, at codon 1779 of the DICER1 protein (p.Lys1779Arg). This variant is not present in population databases (gnomAD no frequency). This variant has not been reported in the literature in individuals affected with DICER1-related conditions. Invitae Evidence Modeling of protein sequence and biophysical properties (such as structural, functional, and spatial information, amino acid conservation, physicochemical variation, residue mobility, and thermodynamic stability) indicates that this missense variant is not expected to disrupt DICER1 protein function with a negative predictive value of 80%. In summary, the available evidence is currently insufficient to determine the role of this variant in disease. Therefore, it has been classified as a Variant of Uncertain Significance.

Ambry Genetics
Classification: Uncertain significance for Hereditary cancer-predisposing syndrome. Last evaluated: 2024-05-31. Review status: criteria provided, single submitter. Criteria: Ambry Variant Classification Scheme 2023. Collection method: clinical testing. Allele origin: germline.
Comment: The p.K1779R variant (also known as c.5336A>G), located in coding exon 23 of the DICER1 gene, results from an A to G substitution at nucleotide position 5336. The lysine at codon 1779 is replaced by arginine, an amino acid with highly similar properties. This amino acid position is conserved. In addition, the in silico prediction for this alteration is inconclusive. Based on the available evidence, the clinical significance of this variant remains unclear.